The following is an entry in ClinVar:

NM_016492.5(RANGRF):c.535G>A (p.Asp179Asn)

Genes: RANGRF (RAN guanine nucleotide release factor; plus strand), SLC25A35 (solute carrier family 25 member 35; minus strand). Cytogenetic location: 17p13.1.
Variant type: single nucleotide variant.
Coding change: c.535G>A on transcript NM_016492.5 (MANE Select); coding-DNA position 535, G replaced by A.
Protein change: p.Asp179Asn; replaces aspartic acid 179 with asparagine.
Molecular consequence: missense variant. On other transcripts: 3 prime UTR variant (3), synonymous variant (3), non-coding transcript variant (2).
Genome position (GRCh38, 1-based): chr17:8,289,910, G>A. VCF-style: chr17-8289910-G-A. GRCh37 (hg19) VCF-style: chr17-8193228-G-A.
Other names: c.*318G>A (NM_001177801.2); c.*349G>A (NM_001177802.2); c.*92G>A (NM_001330127.2); c.804C>T, p.Ile268= (NM_001320871.2, NM_001320872.2, NM_201520.3); short protein forms D179N.
Identifiers: ClinVar variation 845777 (VCV000845777.10), dbSNP rs374174477, ClinGen allele CA8374465.

ClinVar aggregate classification (germline): Uncertain significance. Review status: criteria provided, multiple submitters, no conflicts (2 of 4 stars). 2 submissions from 2 submitters: Uncertain significance (2). Last evaluated 2024-12-23.

Conditions:
Cardiac arrhythmia. Also called: Arrhythmia; Cardiac rhythm disease. Identifiers: MedGen C0003811, MONDO:0007263, HP:0011675.

Allele frequency attached by ClinVar (database versions not stated): TOPMed 0.00002; 1000 Genomes Project 30x 0.00016; gnomAD exomes 0.00003; gnomAD 0.00004.
gnomAD v4.1: 51 of 1,614,092 alleles (0.0032%); highest among the groups gnomAD compares: African/African-American, 0.004%; no homozygotes.

Submissions (2):

Ambry Genetics
Classification: Uncertain significance. Last evaluated: 2024-12-23. Review status: criteria provided, single submitter. Criteria: Ambry Variant Classification Scheme 2023. Collection method: clinical testing. Allele origin: germline.

Labcorp Genetics (formerly Invitae), Labcorp
Classification: Uncertain significance for Cardiac arrhythmia. Last evaluated: 2024-04-01. Review status: criteria provided, single submitter. Criteria: Invitae Variant Classification Sherloc (09022015). Collection method: clinical testing. Allele origin: germline.
Comment: This sequence change replaces aspartic acid, which is acidic and polar, with asparagine, which is neutral and polar, at codon 179 of the RANGRF protein (p.Asp179Asn). This variant is present in population databases (rs374174477, gnomAD 0.004%). This variant has not been reported in the literature in individuals affected with RANGRF-related conditions. ClinVar contains an entry for this variant (Variation ID: 845777). An algorithm developed to predict the effect of missense changes on protein structure and function (PolyPhen-2) suggests that this variant is likely to be disruptive. In summary, the available evidence is currently insufficient to determine the role of this variant in disease. Therefore, it has been classified as a Variant of Uncertain Significance.